The following is an entry in ClinVar:

NM_015915.5(ATL1):c.1157A>G (p.Asp386Gly)

Gene: ATL1 (atlastin GTPase 1; plus strand). Cytogenetic location: 14q22.1.
Variant type: single nucleotide variant.
Coding change: c.1157A>G on transcript NM_015915.5 (MANE Select); coding-DNA position 1157, A replaced by G.
Protein change: p.Asp386Gly; replaces aspartic acid 386 with glycine.
Molecular consequence: missense variant.
Genome position (GRCh38, 1-based): chr14:50,628,068, A>G. VCF-style: chr14-50628068-A-G. GRCh37 (hg19) VCF-style: chr14-51094786-A-G.
Other names: c.1157A>G, p.Asp386Gly (NM_001127713.1, NM_181598.4); short protein forms D386G.
Identifiers: ClinVar variation 1006223 (VCV001006223.8), dbSNP rs2039538543, ClinGen allele CA389675442.

ClinVar aggregate classification (germline): Uncertain significance (1 of 4 stars; one submission).

Conditions:
Hereditary spastic paraplegia 3A (SPG3A). Also called: SPASTIC PARAPLEGIA 3, AUTOSOMAL DOMINANT; FAMILIAL SPASTIC PARAPLEGIA, AUTOSOMAL DOMINANT, 1; SPG3; STRUMPELL DISEASE; Spastic Paraplegia 3A; Spastic paraplegia 3A, autosomal dominant. Identifiers: Orphanet 100984, MedGen C2931355, MONDO:0008437, OMIM 182600.

Submission:

Labcorp Genetics (formerly Invitae), Labcorp
Classification: Uncertain significance for Hereditary spastic paraplegia 3A. Last evaluated: 2020-03-09. Review status: criteria provided, single submitter. Criteria: Invitae Variant Classification Sherloc (09022015). Collection method: clinical testing. Allele origin: germline.
Comment: In summary, the available evidence is currently insufficient to determine the role of this variant in disease. Therefore, it has been classified as a Variant of Uncertain Significance. Algorithms developed to predict the effect of missense changes on protein structure and function (SIFT, PolyPhen-2, Align-GVGD) all suggest that this variant is likely to be tolerated, but these predictions have not been confirmed by published functional studies and their clinical significance is uncertain. This variant has not been reported in the literature in individuals with ATL1-related conditions. This variant is not present in population databases (ExAC no frequency). This sequence change replaces aspartic acid with glycine at codon 386 of the ATL1 protein (p.Asp386Gly). The aspartic acid residue is moderately conserved and there is a moderate physicochemical difference between aspartic acid and glycine.